The following is an entry in ClinVar:

NM_001164277.2(SLC37A4):c.247G>A (p.Gly83Arg)

Gene: SLC37A4 (solute carrier family 37 member 4; minus strand). Cytogenetic location: 11q23.3.
Variant type: single nucleotide variant.
Coding change: c.247G>A on transcript NM_001164277.2 (MANE Select); coding-DNA position 247, G replaced by A.
Protein change: p.Gly83Arg; replaces glycine 83 with arginine.
Molecular consequence: missense variant.
Genome position (GRCh38, 1-based): chr11:119,028,328, C>T on the plus strand (G>A on the coding strand, the complement: SLC37A4 is on the minus strand). VCF-style: chr11-119028328-C-T. GRCh37 (hg19) VCF-style: chr11-118899038-C-T.
Other names: c.247G>A, p.Gly83Arg (NM_001164278.2, NM_001164280.2, NM_001467.6); c.28G>A, p.Gly10Arg (NM_001164279.2); short protein forms G10R, G83R.
Identifiers: ClinVar variation 5003696 (VCV005003696.1).

ClinVar aggregate classification (germline): Uncertain significance (1 of 4 stars; one submission).

Conditions:
Glycogen storage disease, type I. Identifiers: Orphanet 364, MedGen C0017920, MONDO:0002413.

Submission:

Myriad Genetics, Inc.
Classification: Uncertain significance for Glycogen storage disease, type I. Last evaluated: 2026-03-06. Review status: criteria provided, single submitter. Criteria: Myriad Autosomal Dominant, Autosomal Recessive and X-Linked Classification Criteria (2023). Collection method: clinical testing. Allele origin: unknown.
Comment: NM_001164277.1(SLC37A4):c.247G>A(G83R) is a missense variant classified as a variant of uncertain significance in the context of glycogen storage disease type Ib. G83R has not been observed in cases with relevant disease. Relevant functional assessments of this variant are not available in the literature. G83R has not been observed in referenced population frequency databases. In summary, there is insufficient evidence to classify NM_001164277.1(SLC37A4):c.247G>A(G83R) as pathogenic or benign. Please note: this variant was assessed in the context of healthy population screening.